The following is an entry in ClinVar:

ClinVar aggregate classification (germline): Uncertain significance (1 of 4 stars; one submission).

gnomAD v4.1: 25 of 1,613,462 alleles (0.0015%); highest among the groups gnomAD compares: South Asian, 0.023%; 1 homozygote.

Submission:

Labcorp Genetics (formerly Invitae), Labcorp
Classification: Uncertain significance. Last evaluated: 2025-04-12. Review status: criteria provided, single submitter. Criteria: Invitae Variant Classification Sherloc (09022015). Collection method: clinical testing. Allele origin: germline.
Comment: This sequence change replaces proline, which is neutral and non-polar, with alanine, which is neutral and non-polar, at codon 1003 of the NRIP1 protein (p.Pro1003Ala). This variant is present in population databases (rs757421679, gnomAD 0.03%). This variant has not been reported in the literature in individuals affected with NRIP1-related conditions. An algorithm developed to predict the effect of missense changes on protein structure and function outputs the following: PolyPhen-2: "Benign". The alanine amino acid residue is found in multiple mammalian species, which suggests that this missense change does not adversely affect protein function. In summary, the available evidence is currently insufficient to determine the role of this variant in disease. Therefore, it has been classified as a Variant of Uncertain Significance.

NM_003489.4(NRIP1):c.3007C>G (p.Pro1003Ala)

Gene: NRIP1 (nuclear receptor interacting protein 1; minus strand). Cytogenetic location: 21q11.2.
Variant type: single nucleotide variant.
Coding change: c.3007C>G on transcript NM_003489.4 (MANE Select); coding-DNA position 3007, C replaced by G.
Protein change: p.Pro1003Ala; replaces proline 1003 with alanine.
Molecular consequence: missense variant.
Genome position (GRCh38, 1-based): chr21:14,965,186, G>C on the plus strand (C>G on the coding strand, the complement: NRIP1 is on the minus strand). VCF-style: chr21-14965186-G-C. GRCh37 (hg19) VCF-style: chr21-16337507-G-C.
Other names: c.3007C>G, p.Pro1003Ala (NM_001439275.1, NM_001439276.1, NM_001439277.1 and 10 more transcripts); short protein forms P1003A.
Identifiers: ClinVar variation 4692367 (VCV004692367.1).